The following is an entry in ClinVar:

ClinVar aggregate classification (germline): Likely benign (1 of 4 stars; one submission).

Submission:

CeGaT Center for Human Genetics Tuebingen
Classification: Likely benign. Last evaluated: 2024-06-01. Review status: criteria provided, single submitter. Criteria: CeGaT Center For Human Genetics Tuebingen Variant Classification Criteria Version 2. Collection method: clinical testing. Allele origin: germline. Affected: yes. Observed: 1 variant allele.
Comment: DDX3X: PM2:Supporting, BP4, BP7

NM_001356.5(DDX3X):c.1025+28T>C

Gene: DDX3X (DEAD-box helicase 3 X-linked; plus strand). Cytogenetic location: Xp11.4.
Variant type: single nucleotide variant.
Coding change: c.1025+28T>C on transcript NM_001356.5 (MANE Select); 28 bases into the intron after coding-DNA position 1025, T replaced by C.
Molecular consequence: intron variant.
Genome position (GRCh38, 1-based): chrX:41,344,427, T>C. VCF-style: chrX-41344427-T-C. GRCh37 (hg19) VCF-style: chrX-41203680-T-C.
Other names: c.1025+28T>C (NM_001193416.3); c.977+28T>C (NM_001193417.3); c.467+28T>C (NM_001363819.1).
Identifiers: ClinVar variation 3250826 (VCV003250826.18), dbSNP rs2519515848.